The following is an entry in ClinVar:

ClinVar aggregate classification (germline): Pathogenic (1 of 4 stars; one submission).

Conditions:
Glycogen storage disease type III (GSD3). Also called: FORBES DISEASE; Cori disease. Identifiers: Orphanet 366, MedGen C0017922, MONDO:0009291, OMIM 232400.

Submission:

Labcorp Genetics (formerly Invitae), Labcorp
Classification: Pathogenic for Glycogen storage disease type III. Last evaluated: 2023-09-08. Review status: criteria provided, single submitter. Criteria: Invitae Variant Classification Sherloc (09022015). Collection method: clinical testing. Allele origin: germline.
Comment: For these reasons, this variant has been classified as Pathogenic. This variant has not been reported in the literature in individuals affected with AGL-related conditions. This variant is not present in population databases (gnomAD no frequency). This sequence change creates a premature translational stop signal (p.Asn785Hisfs*5) in the AGL gene. It is expected to result in an absent or disrupted protein product. Loss-of-function variants in AGL are known to be pathogenic (PMID: 19299494).

Literature cited by the submitters: PubMed 19299494.

NM_000642.3(AGL):c.2353_2354del (p.Asn785fs)

Gene: AGL (amylo-alpha-1,6-glucosidase and 4-alpha-glucanotransferase; plus strand). Cytogenetic location: 1p21.2.
Variant type: Deletion.
Coding change: c.2353_2354del on transcript NM_000642.3 (MANE Select); coding-DNA positions 2353 to 2354, 2 bases deleted (AA; older notation c.2353_2354delAA).
Protein change: p.Asn785fs; shifts the reading frame from asparagine 785.
Molecular consequence: frameshift variant.
Genome position (GRCh38, 1-based): chr1:99,884,164-99,884,165, AA deleted; deleting any 2 consecutive bases within chr1:99,884,163-99,884,165 gives the same sequence; the c. name uses the placement nearest the transcript's 3' end. VCF-style (leftmost placement, unchanged base first): chr1-99884162-GAA-G. GRCh37 (hg19) VCF-style: chr1-100349718-GAA-G.
Other names: c.2353_2354delAA, p.Asn785Hisfs (NM_000028.3, NM_000643.3, NM_000644.3 and 2 more transcripts); c.2305_2306delAA, p.Asn769Hisfs (NM_000646.3); c.2152_2153delAA, p.Asn718Hisfs (NM_001425327.1); c.2149_2150delAA, p.Asn717Hisfs (NM_001425328.1, NM_001425329.1); c.1975_1976delAA, p.Asn659Hisfs (NM_001425332.1); short protein forms N785fs, N769fs.
Identifiers: ClinVar variation 2807720 (VCV002807720.3), dbSNP rs2524672193, ClinGen allele CA2739272701.
Genomic context (GRCh38, chr1:99,884,162, plus strand): 5'-GTTTTTATGTATTCCTAGGCAAAATTGAAGAAGTAGTTCTTGAAGCTAGAACTATTGAGA[GAA>G]ACACGAAACCTTATAGGAAGGATGAGAATTCAATCAATGGAACACCAGATATCACAGTAG-3'